The following is an entry in ClinVar:

ClinVar aggregate classification (germline): Uncertain significance (1 of 4 stars; one submission).

Submission:

GeneDx
Classification: Uncertain significance. Last evaluated: 2021-04-14. Review status: criteria provided, single submitter. Criteria: GeneDx Variant Classification Process June 2021. Collection method: clinical testing. Allele origin: germline. Affected: yes.
Comment: Has not been previously published as pathogenic or benign to our knowledge; In silico analysis supports that this missense variant has a deleterious effect on protein structure/function; Not observed in large population cohorts (Lek et al., 2016)

NM_000093.5(COL5A1):c.3197G>C (p.Gly1066Ala)

Gene: COL5A1 (collagen type V alpha 1 chain; plus strand). Cytogenetic location: 9q34.3.
Variant type: single nucleotide variant.
Coding change: c.3197G>C on transcript NM_000093.5 (MANE Select); coding-DNA position 3197, G replaced by C.
Protein change: p.Gly1066Ala; replaces glycine 1066 with alanine.
Molecular consequence: missense variant.
Genome position (GRCh38, 1-based): chr9:134,805,057, G>C. VCF-style: chr9-134805057-G-C. GRCh37 (hg19) VCF-style: chr9-137696903-G-C.
Other names: c.3197G>C, p.Gly1066Ala (NM_001278074.1); short protein forms G1066A.
Identifiers: ClinVar variation 1318488 (VCV001318488.2), dbSNP rs2132827340, ClinGen allele CA375450645.